The following is an entry in ClinVar:

NM_006514.4(SCN10A):c.4994G>T (p.Gly1665Val)

Gene: SCN10A (sodium voltage-gated channel alpha subunit 10; minus strand). Cytogenetic location: 3p22.2.
Variant type: single nucleotide variant.
Coding change: c.4994G>T on transcript NM_006514.4 (MANE Select); coding-DNA position 4994, G replaced by T.
Protein change: p.Gly1665Val; replaces glycine 1665 with valine.
Molecular consequence: missense variant.
Genome position (GRCh38, 1-based): chr3:38,698,226, C>A on the plus strand (G>T on the coding strand, the complement: SCN10A is on the minus strand). VCF-style: chr3-38698226-C-A. GRCh37 (hg19) VCF-style: chr3-38739717-C-A.
Other names: c.4991G>T, p.Gly1664Val (NM_001293306.2); c.4700G>T, p.Gly1567Val (NM_001293307.2); short protein forms G1567V, G1664V, G1665V.
Identifiers: ClinVar variation 3365975 (VCV003365975.1).

ClinVar aggregate classification (germline): Uncertain significance (1 of 4 stars; one submission).

gnomAD v4.1: 1 of 1,614,118 alleles (0.000062%); highest among the groups gnomAD compares: Non-Finnish European, 0.000085%; no homozygotes.

Submission:

GeneDx
Classification: Uncertain significance. Last evaluated: 2023-10-10. Review status: criteria provided, single submitter. Criteria: GeneDx Variant Classification Process June 2021. Collection method: clinical testing. Allele origin: germline. Affected: yes.
Comment: Not observed at significant frequency in large population cohorts (gnomAD); In silico analysis supports that this missense variant has a deleterious effect on protein structure/function; Has not been previously published as pathogenic or benign to our knowledge